The following is an entry in ClinVar:

NM_000755.5(CRAT):c.1112C>T (p.Pro371Leu)

Gene: CRAT (carnitine O-acetyltransferase; minus strand). Cytogenetic location: 9q34.11.
Variant type: single nucleotide variant.
Coding change: c.1112C>T on transcript NM_000755.5 (MANE Select); coding-DNA position 1112, C replaced by T.
Protein change: p.Pro371Leu; replaces proline 371 with leucine.
Molecular consequence: missense variant.
Genome position (GRCh38, 1-based): chr9:129,098,624, G>A on the plus strand (C>T on the coding strand, the complement: CRAT is on the minus strand). VCF-style: chr9-129098624-G-A. GRCh37 (hg19) VCF-style: chr9-131860903-G-A.
Other names: c.1049C>T, p.Pro350Leu (NM_001257363.3, NM_001346548.2, NM_004003.4); c.1115C>T, p.Pro372Leu (NM_001346546.2); c.1112C>T, p.Pro371Leu (NM_001346547.2); c.992C>T, p.Pro331Leu (NM_001346549.2); short protein forms P331L, P350L, P371L, P372L.
Identifiers: ClinVar variation 2700550 (VCV002700550.3), dbSNP rs1847446667, ClinGen allele CA375141776.

ClinVar aggregate classification (germline): Uncertain significance (1 of 4 stars; one submission).

Allele frequency attached by ClinVar (database versions not stated): gnomAD exomes below 0.00001.
gnomAD v4.1: 1 of 1,601,864 alleles (0.000062%); highest among the groups gnomAD compares: Admixed American, 0.0018%; no homozygotes.

Submission:

Labcorp Genetics (formerly Invitae), Labcorp
Classification: Uncertain significance. Last evaluated: 2023-12-10. Review status: criteria provided, single submitter. Criteria: Invitae Variant Classification Sherloc (09022015). Collection method: clinical testing. Allele origin: germline.
Comment: This sequence change replaces proline, which is neutral and non-polar, with leucine, which is neutral and non-polar, at codon 371 of the CRAT protein (p.Pro371Leu). This variant is not present in population databases (gnomAD no frequency). This variant has not been reported in the literature in individuals affected with CRAT-related conditions. Advanced modeling of protein sequence and biophysical properties (such as structural, functional, and spatial information, amino acid conservation, physicochemical variation, residue mobility, and thermodynamic stability) performed at Invitae indicates that this missense variant is not expected to disrupt CRAT protein function with a negative predictive value of 80%. In summary, the available evidence is currently insufficient to determine the role of this variant in disease. Therefore, it has been classified as a Variant of Uncertain Significance.